The following is an entry in ClinVar:

NM_020297.4(ABCC9):c.3519T>A (p.Cys1173Ter)

Gene: ABCC9 (ATP binding cassette subfamily C member 9; minus strand). Cytogenetic location: 12p12.1.
Variant type: single nucleotide variant.
Coding change: c.3519T>A on transcript NM_020297.4 (MANE Select); coding-DNA position 3519, T replaced by A.
Protein change: p.Cys1173Ter; replaces cysteine 1173 with a stop codon.
Molecular consequence: nonsense.
Genome position (GRCh38, 1-based): chr12:21,838,125, A>T on the plus strand (T>A on the coding strand, the complement: ABCC9 is on the minus strand). VCF-style: chr12-21838125-A-T. GRCh37 (hg19) VCF-style: chr12-21991059-A-T.
Other names: c.3519T>A, p.Cys1173Ter (NM_001377273.1, NM_005691.4); c.2652T>A, p.Cys884Ter (NM_001377274.1); short protein forms C1173*, C884*.
Identifiers: ClinVar variation 3991657 (VCV003991657.1).

ClinVar aggregate classification (germline): Uncertain significance (1 of 4 stars; one submission).

Conditions:
Cardiovascular phenotype. Identifiers: MedGen CN230736.

Submission:

Ambry Genetics
Classification: Uncertain significance for Cardiovascular phenotype. Last evaluated: 2025-05-23. Review status: criteria provided, single submitter. Criteria: Ambry Variant Classification Scheme 2023. Collection method: clinical testing. Allele origin: germline.
Comment: The p.C1173* variant (also known as c.3519T>A), located in coding exon 28 of the ABCC9 gene, results from a T to A substitution at nucleotide position 3519. This changes the amino acid from a cysteine to a stop codon within coding exon 28. This alteration is expected to result in loss of function by premature protein truncation or nonsense-mediated mRNA decay. Although biallelic loss of function of ABCC9 has been associated with autosomal recessive ABCC9-related neurodevelopmental myopathy syndrome, haploinsufficiency of ABCC9 has not been established as a mechanism of disease for autosomal dominant ABCC9-related Cantu syndrome. Based on the supporting evidence, this variant is expected to be causative of autosomal recessive ABCC9-related neurodevelopmental myopathy syndrome when present along with a second pathogenic variant on the other allele; however, its clinical significance for autosomal dominant ABCC9-related Cantu syndrome is unclear.